The following is an entry in ClinVar:

ClinVar aggregate classification (germline): Benign/Likely benign. Review status: criteria provided, multiple submitters, no conflicts (2 of 4 stars). 3 submissions from 3 submitters: Benign (1); Likely benign (2). Last evaluated 2024-07-19.

Conditions:
Oligodontia-cancer predisposition syndrome. Also called: TOOTH AGENESIS-COLORECTAL CANCER SYNDROME. Identifiers: Orphanet 300576, MedGen C1837750, MONDO:0012075, OMIM 608615. Disease mechanism: loss of function.
Hereditary cancer-predisposing syndrome. Also called: Tumor predisposition; Hereditary neoplastic syndrome; Hereditary Cancer Syndrome; Neoplastic Syndromes, Hereditary. Identifiers: Orphanet 140162, MedGen C0027672, MeSH D009386, MONDO:0015356.

Allele frequency attached by ClinVar (database versions not stated): gnomAD exomes below 0.00001; TOPMed 0.00001.
gnomAD v4.1: 2 of 1,614,190 alleles (0.00012%); highest among the groups gnomAD compares: Non-Finnish European, 0.000085%; no homozygotes.

Submissions (3):

Labcorp Genetics (formerly Invitae), Labcorp
Classification: Likely benign for Oligodontia-cancer predisposition syndrome. Last evaluated: 2024-07-19. Review status: criteria provided, single submitter. Criteria: Invitae Variant Classification Sherloc (09022015). Collection method: clinical testing. Allele origin: germline.

Myriad Genetics, Inc.
Classification: Benign for Oligodontia-cancer predisposition syndrome. Last evaluated: 2024-06-27. Review status: criteria provided, single submitter. Criteria: Myriad Autosomal Dominant, Autosomal Recessive and X-Linked Classification Criteria (2023). Collection method: clinical testing. Allele origin: unknown.
Comment: This variant is considered benign. This variant is a silent/synonymous amino acid change and it is not expected to impact splicing.

Ambry Genetics
Classification: Likely benign for Hereditary cancer-predisposing syndrome. Last evaluated: 2019-07-14. Review status: criteria provided, single submitter. Criteria: Ambry Variant Classification Scheme 2023. Collection method: clinical testing. Allele origin: germline.

NM_004655.4(AXIN2):c.600G>T (p.Val200=)

Gene: AXIN2 (axin 2; minus strand). Cytogenetic location: 17q24.1.
Variant type: single nucleotide variant.
Coding change: c.600G>T on transcript NM_004655.4 (MANE Select); coding-DNA position 600, G replaced by T.
Protein change: p.Val200=; no amino-acid change (valine 200 retained).
Molecular consequence: synonymous variant.
Genome position (GRCh38, 1-based): chr17:65,558,021, C>A on the plus strand (G>T on the coding strand, the complement: AXIN2 is on the minus strand). VCF-style: chr17-65558021-C-A. GRCh37 (hg19) VCF-style: chr17-63554139-C-A.
Other names: c.600G>T, p.Val200= (NM_001363813.1).
Identifiers: ClinVar variation 1099751 (VCV001099751.12), dbSNP rs747796659, ClinGen allele CA501691657.
Genomic context (GRCh38, chr17:65,558,021, plus strand): 5'-GACCTTTAGGCTCCCGAGTCCCCCATTACTCATGTAAGCTGTGTTTTCTCCCCCACTCCT[C>A]ACATATTCGAGGTATATATCAGAAGTCAAAAACATCTGGTAGGCATTTTCCTCCATCACC-3'
Protein context (NP_004646.3, residues 190-210): FLTSDIYLEY[Val200=]RSGGENTAYM